The following is an entry in ClinVar:

NM_000138.5(FBN1):c.4409G>C (p.Cys1470Ser)

Gene: FBN1 (fibrillin 1; minus strand). Cytogenetic location: 15q21.1.
Variant type: single nucleotide variant.
Coding change: c.4409G>C on transcript NM_000138.5 (MANE Select); coding-DNA position 4409, G replaced by C.
Protein change: p.Cys1470Ser; replaces cysteine 1470 with serine.
Molecular consequence: missense variant.
Genome position (GRCh38, 1-based): chr15:48,470,684, C>G on the plus strand (G>C on the coding strand, the complement: FBN1 is on the minus strand). VCF-style: chr15-48470684-C-G. GRCh37 (hg19) VCF-style: chr15-48762881-C-G.
Other names: c.4409G>C, p.Cys1470Ser (NM_001406716.1); short protein forms C1470S.
Identifiers: ClinVar variation 3754070 (VCV003754070.2).
Genomic context (GRCh38, chr15:48,470,684, plus strand): 5'-GAGGTCTTACCTGTGCAGTTCCCGCCGCTTCTGTCCAGTTCGTAGCCTATCTCACACTCA[C>G]AGCGGAACAGGCCAGGGAGGTTGTGGCAAGTTCCAAAGACACAGATGTTCGGAAGGGAGC-3'
Protein context (NP_000129.3, residues 1460-1480): TCHNLPGLFR[Cys1470Ser]ECEIGYELDR

ClinVar aggregate classification (germline): Pathogenic (1 of 4 stars; one submission).

Conditions:
Marfan syndrome (MFS). Also called: MARFAN SYNDROME, TYPE I; Marfan syndrome type 1; Marfan's syndrome; Marfan syndrome, classic; FBN1-Related Marfan Syndrome. Identifiers: Orphanet 284963, Orphanet 558, MedGen C0024796, MONDO:0007947, OMIM 154700.
Familial thoracic aortic aneurysm and aortic dissection (TAAD). Also called: Thoracic aortic aneurysms and dissections. Identifiers: Orphanet 91387, MedGen C4707243, MONDO:0019625.

Submission:

Labcorp Genetics (formerly Invitae), Labcorp
Classification: Pathogenic for Marfan syndrome; Familial thoracic aortic aneurysm and aortic dissection. Last evaluated: 2025-11-17. Review status: criteria provided, single submitter. Criteria: Invitae Variant Classification Sherloc (09022015). Collection method: clinical testing. Allele origin: germline.
Comment: This sequence change replaces cysteine, which is neutral and slightly polar, with serine, which is neutral and polar, at codon 1470 of the FBN1 protein (p.Cys1470Ser). This variant is not present in population databases (gnomAD no frequency). This missense change has been observed in individual(s) with Marfan syndrome (internal data). ClinVar contains an entry for this variant (Variation ID: 3754070). Invitae Evidence Modeling of protein sequence and biophysical properties (such as structural, functional, and spatial information, amino acid conservation, physicochemical variation, residue mobility, and thermodynamic stability) indicates that this missense variant is expected to disrupt FBN1 protein function with a positive predictive value of 95%. This variant affects a cysteine residue in the EGF-like, TGFBP or hybrid motif domains of FBN1. Cysteine residues are believed to be involved in intramolecular disulfide bridges and have been shown to be important for FBN1 protein structure (PMID: 16905551, 19349279). In addition, missense substitutions affecting cysteine residues within these domains are significantly overrepresented among patients with Marfan syndrome (PMID: 16571647, 17701892). This variant disrupts the p.Cys1470 amino acid residue in FBN1. Other variant(s) that disrupt this residue have been observed in individuals with FBN1-related conditions (PMID: 19161152, 35058154), which suggests that this may be a clinically significant amino acid residue. For these reasons, this variant has been classified as Pathogenic.

Literature cited by the submitters: PubMed 16905551; PubMed 19349279; PubMed 16571647; PubMed 17701892; PubMed 19161152; PubMed 35058154.